The following is an entry in ClinVar:

NM_198994.3(TGM6):c.1476G>A (p.Lys492=)

Gene: TGM6 (transglutaminase 6; plus strand). Cytogenetic location: 20p13.
Variant type: single nucleotide variant.
Coding change: c.1476G>A on transcript NM_198994.3 (MANE Select); coding-DNA position 1476, G replaced by A.
Protein change: p.Lys492=; no amino-acid change (lysine 492 retained).
Molecular consequence: synonymous variant.
Genome position (GRCh38, 1-based): chr20:2,417,371, G>A. VCF-style: chr20-2417371-G-A. GRCh37 (hg19) VCF-style: chr20-2398017-G-A.
Other names: p.Lys492=; c.1476G>A, p.Lys492= (NM_001254734.2).
Identifiers: ClinVar variation 130584 (VCV000130584.24), dbSNP rs2295077, ClinGen allele CA155708.

ClinVar aggregate classification (germline): Benign. Review status: criteria provided, multiple submitters, no conflicts (2 of 4 stars). 11 submissions from 11 submitters: Benign (8). 3 of the submissions do not count toward it. Last evaluated 2026-02-03.

Conditions:
Spinocerebellar ataxia type 35. Identifiers: Orphanet 276193, MedGen C3888031, MONDO:0013485, OMIM 613908.

Allele frequency attached by ClinVar (database versions not stated): gnomAD exomes 0.19439 and 0.22390; ExAC 0.23451; gnomAD 0.26375 and 0.26435; ESP Exome Variant Server 0.27157; TOPMed 0.27416; 1000 Genomes Project 0.32448; 1000 Genomes Project 30x 0.32527.
gnomAD v4.1: 325,338 of 1,613,162 alleles (20%); highest among the groups gnomAD compares: African/African-American, 48%; 38,092 homozygotes.

Submissions (11):

Labcorp Genetics (formerly Invitae), Labcorp
Classification: Benign. Last evaluated: 2026-02-03. Review status: criteria provided, single submitter. Criteria: Invitae Variant Classification Sherloc (09022015). Collection method: clinical testing. Allele origin: germline.

Mayo Clinic Laboratories, Mayo Clinic
Classification: Benign. Last evaluated: 2022-03-24. Review status: criteria provided, single submitter. Criteria: ACMG Guidelines, 2015. Collection method: clinical testing. Allele origin: germline. Observed: 178 variant alleles.

Genome-Nilou Lab
Classification: Benign for Spinocerebellar ataxia type 35. Last evaluated: 2021-09-10. Review status: criteria provided, single submitter. Criteria: ACMG Guidelines, 2015. Collection method: clinical testing. Allele origin: germline. Affected: no.

GeneDx
Classification: Benign. Last evaluated: 2021-05-05. Review status: criteria provided, single submitter. Criteria: GeneDx Variant Classification Process June 2021. Collection method: clinical testing. Allele origin: germline. Affected: yes.

Athena Diagnostics
Classification: Benign. Last evaluated: 2019-09-12. Review status: criteria provided, single submitter. Criteria: Athena Diagnostics Criteria. Collection method: clinical testing. Allele origin: unknown.

Illumina Laboratory Services, Illumina
Classification: Benign for Spinocerebellar ataxia type 35. Last evaluated: 2018-01-13. Review status: criteria provided, single submitter. Criteria: ICSL Variant Classification Criteria 13 December 2019. Collection method: clinical testing. Allele origin: germline.
Comment: This variant was observed in the ICSL laboratory as part of a predisposition screen in an ostensibly healthy population. It had not been previously curated by ICSL or reported in the Human Gene Mutation Database (HGMD: prior to June 1st, 2018), and was therefore a candidate for classification through an automated scoring system. Utilizing variant allele frequency, disease prevalence and penetrance estimates, and inheritance mode, an automated score was calculated to assess if this variant is too frequent to cause the disease. Based on the score and internal cut-off values, a variant classified as benign is not then subjected to further curation. The score for this variant resulted in a classification of benign for this disease.

Clinical Genetics DNA and cytogenetics Diagnostics Lab, Erasmus MC, Erasmus Medical Center
Classification: Benign for Spinocerebellar ataxia type 35. Last evaluated: 2015-09-21. Review status: criteria provided, single submitter. Criteria: ACGS Guidelines, 2013. Collection method: clinical testing. Allele origin: germline. Affected: yes. Study: VKGL Data-share Consensus.

Breakthrough Genomics
Classification: Benign. Review status: criteria provided, single submitter. Criteria: ACMG Guidelines, 2015. Collection method: not provided. Allele origin: germline. Inheritance: Autosomal dominant inheritance. Affected: yes.

Diagnostic Laboratory, Department of Genetics, University Medical Center Groningen
Classification: Benign for Spinocerebellar ataxia type 35. Review status: no assertion criteria provided. Collection method: clinical testing. Allele origin: germline. Affected: yes. Study: VKGL Data-share Consensus. Not counted in ClinVar's aggregate classification.

Genetic Services Laboratory, University of Chicago
Classification: Likely benign for AllHighlyPenetrant. Review status: no assertion criteria provided. Collection method: clinical testing. Allele origin: germline. Inheritance: Autosomal dominant inheritance. Not counted in ClinVar's aggregate classification.
Comment: Likely benign based on allele frequency in 1000 Genomes Project or ESP global frequency and its presence in a patient with a rare or unrelated disease phenotype. NOT Sanger confirmed.

Joint Genome Diagnostic Labs from Nijmegen and Maastricht, Radboudumc and MUMC+
Classification: Benign. Review status: no assertion criteria provided. Collection method: clinical testing. Allele origin: germline. Affected: yes. Study: VKGL Data-share Consensus. Not counted in ClinVar's aggregate classification.